The following is an entry in ClinVar:

NM_005359.6(SMAD4):c.-128+6_-128+7insCTTGCAACGTTA

Gene: SMAD4 (SMAD family member 4; plus strand). Cytogenetic location: 18q21.2.
Variant type: Insertion.
Coding change: c.-128+6_-128+7insCTTGCAACGTTA on transcript NM_005359.6 (MANE Select); bases 6 to 7 of the intron after 128 bases upstream of the start codon, CTTGCAACGTTA inserted.
Molecular consequence: intron variant.
Genome position: GRCh38 VCF-style: chr18-51030629-C-CCTTGCAACGTTA. GRCh37 (hg19) VCF-style: chr18-48556999-C-CCTTGCAACGTTA.
Identifiers: ClinVar variation 1692891 (VCV001692891.1), dbSNP rs1555683790, ClinGen allele CA2573155393.

ClinVar aggregate classification (germline): Uncertain significance (1 of 4 stars; one submission).

Conditions:
Hereditary cancer-predisposing syndrome. Also called: Hereditary neoplastic syndrome; Tumor predisposition; Neoplastic Syndromes, Hereditary; Hereditary Cancer Syndrome. Identifiers: Orphanet 140162, MedGen C0027672, MeSH D009386, MONDO:0015356.

Submission:

Sema4
Classification: Uncertain significance for Hereditary cancer-predisposing syndrome. Last evaluated: 2021-10-25. Review status: criteria provided, single submitter. Criteria: Sema4 Curation Guidelines. Collection method: curation. Allele origin: germline.
Comment: The SMAD4 c.-128+6_-128+7insCTTGCAACGTTA variant has not been reported in the literature to our knowledge. It was not observed in the large and broad cohorts of the Genome Aggregation Database (PMID: 32461654), nor in ClinVar. The evidence is insufficient to meet ACMG/AMP criteria for classifying the variant as benign or pathogenic. Thus, the clinical significance of this variant is currently uncertain.